The following is an entry in ClinVar:

NM_000203.5(IDUA):c.1914C>A (p.Tyr638Ter)

Gene: IDUA (alpha-L-iduronidase; plus strand). Cytogenetic location: 4p16.3.
Variant type: single nucleotide variant.
Coding change: c.1914C>A on transcript NM_000203.5 (MANE Select); coding-DNA position 1914, C replaced by A.
Protein change: p.Tyr638Ter; replaces tyrosine 638 with a stop codon.
Molecular consequence: nonsense. On other transcripts: non-coding transcript variant (1).
Genome position (GRCh38, 1-based): chr4:1,004,345, C>A. VCF-style: chr4-1004345-C-A. GRCh37 (hg19) VCF-style: chr4-998133-C-A.
Other names: c.1518C>A, p.Tyr506Ter (NM_001363576.1); short protein forms Y638*, Y506*.
Identifiers: ClinVar variation 450259 (VCV000450259.3), dbSNP rs768467230, ClinGen allele CA91172399.
Genomic context (GRCh38, chr4:1,004,345, plus strand): 5'-CCGAGTTCGAGCCCTGGACTACTGGGCCCGACCAGGCCCCTTCTCGGACCCTGTGCCGTA[C>A]CTGGAGGTCCCTGTGCCAAGAGGGCCCCCATCCCCGGGCAATCCATGAGCCTGTGCTGAG-3'

ClinVar aggregate classification (germline): Conflicting classifications of pathogenicity. Review status: criteria provided, conflicting classifications (1 of 4 stars). 2 submissions from 2 submitters: Likely pathogenic (1); Uncertain significance (1). Last evaluated 2025-03-03.

Allele frequency attached by ClinVar (database versions not stated): TOPMed 0.00001; 1000 Genomes Project 30x 0.00016.
gnomAD v4.1: 2 of 1,611,708 alleles (0.00012%); highest among the groups gnomAD compares: South Asian, 0.0022%; no homozygotes.

Submissions (2):

Women's Health and Genetics/Laboratory Corporation of America, LabCorp
Classification: Uncertain significance. Last evaluated: 2025-03-03. Review status: criteria provided, single submitter. Criteria: LabCorp Variant Classification Summary - May 2015. Collection method: clinical testing. Allele origin: germline.
Comment: Variant summary: IDUA c.1914C>A (p.Tyr638X) results in a premature termination codon, predicted to cause a truncation of the encoded protein or absence of the protein due to nonsense mediated decay, which are commonly known mechanisms for disease. The variant was absent in 249018 control chromosomes. The available data on variant occurrences in the general population are insufficient to allow any conclusion about variant significance. To our knowledge, no occurrence of c.1914C>A in individuals affected with Mucopolysaccharidosis Type 1 and no experimental evidence demonstrating its impact on protein function have been reported. ClinVar contains an entry for this variant (Variation ID: 450259). Based on the evidence outlined above, the variant was classified as uncertain significance.

GeneDx
Classification: Likely pathogenic. Last evaluated: 2017-07-11. Review status: criteria provided, single submitter. Criteria: GeneDx Variant Classification (06012015). Collection method: clinical testing. Allele origin: germline. Affected: yes.
Comment: The Y638X variant in the IDUA gene has not been reported previously as a pathogenic variant nor as a benign variant, to our knowledge. This variant is predicted to cause loss of normal protein function through protein truncation, as the last 16 amino acids of the protein are lost. The Y638X variant is not observed in large population cohorts (Lek et al., 2016; 1000 Genomes Consortium et al., 2015; Exome Variant Server). We interpret Y638X as a likely pathogenic variant.